The following is an entry in ClinVar:

ClinVar aggregate classification (germline): Uncertain significance. Review status: criteria provided, multiple submitters, no conflicts (2 of 4 stars). 2 submissions from 2 submitters: Uncertain significance (2). Last evaluated 2023-05-04.

Conditions:
Wilson disease (WND). Also called: Wilson's disease. Identifiers: Orphanet 905, MedGen C0019202, MONDO:0010200, OMIM 277900. Disease mechanism: loss of function.

Allele frequency attached by ClinVar (database versions not stated): gnomAD exomes below 0.00001.
gnomAD v4.1: 3 of 1,614,216 alleles (0.00019%); highest among the groups gnomAD compares: Non-Finnish European, 0.00025%; no homozygotes.

Submissions (2):

All of Us Research Program, National Institutes of Health
Classification: Uncertain significance for Wilson disease. Last evaluated: 2023-05-04. Review status: criteria provided, single submitter. Criteria: ACMG Guidelines, 2015. Collection method: clinical testing. Allele origin: germline. Inheritance: Autosomal recessive inheritance. Observed: 1 variant allele, 1 heterozygote.
Comment: This missense variant replaces asparagine with tyrosine at codon 892 of the ATP7B protein. Computational prediction suggests that this variant may not impact protein structure and function (internally defined REVEL score threshold <= 0.5, PMID: 27666373). To our knowledge, functional studies have not been reported for this variant. This variant has not been reported in individuals affected with ATP7B-related disorders in the literature. This variant has been identified in 1/249586 chromosomes in the general population by the Genome Aggregation Database (gnomAD). The available evidence is insufficient to determine the role of this variant in disease conclusively. Therefore, this variant is classified as a Variant of Uncertain Significance.

This study involves interpretation of variants in research participants for the purpose of population health screening. Participant phenotype was not available at the time of variant classification. Additional details can be found in publication PMID: 35346344, PMCID: PMC8962531

Labcorp Genetics (formerly Invitae), Labcorp
Classification: Uncertain significance for Wilson disease. Last evaluated: 2022-07-19. Review status: criteria provided, single submitter. Criteria: Invitae Variant Classification Sherloc (09022015). Collection method: clinical testing. Allele origin: germline.
Comment: This sequence change replaces asparagine, which is neutral and polar, with tyrosine, which is neutral and polar, at codon 892 of the ATP7B protein (p.Asn892Tyr). This variant is present in population databases (no rsID available, gnomAD 0.0009%). This variant has not been reported in the literature in individuals affected with ATP7B-related conditions. Advanced modeling of protein sequence and biophysical properties (such as structural, functional, and spatial information, amino acid conservation, physicochemical variation, residue mobility, and thermodynamic stability) performed at Invitae indicates that this missense variant is not expected to disrupt ATP7B protein function. In summary, the available evidence is currently insufficient to determine the role of this variant in disease. Therefore, it has been classified as a Variant of Uncertain Significance.

NM_000053.4(ATP7B):c.2674A>T (p.Asn892Tyr)

Gene: ATP7B (ATPase copper transporting beta; minus strand). Cytogenetic location: 13q14.3.
Variant type: single nucleotide variant.
Coding change: c.2674A>T on transcript NM_000053.4 (MANE Select); coding-DNA position 2674, A replaced by T.
Protein change: p.Asn892Tyr; replaces asparagine 892 with tyrosine.
Molecular consequence: missense variant.
Genome position (GRCh38, 1-based): chr13:51,950,063, T>A on the plus strand (A>T on the coding strand, the complement: ATP7B is on the minus strand). VCF-style: chr13-51950063-T-A. GRCh37 (hg19) VCF-style: chr13-52524199-T-A.
Other names: c.2188A>T, p.Asn730Tyr (NM_001005918.3, NM_001406542.1, NM_001406546.1 and 1 more transcripts); c.2341A>T, p.Asn781Tyr (NM_001243182.2); c.2440A>T, p.Asn814Tyr (NM_001330578.2, NM_001406527.1, NM_001406528.1 and 2 more transcripts); c.2422A>T, p.Asn808Tyr (NM_001330579.2, NM_001406531.1, NM_001406532.1 and 1 more transcripts); c.2530A>T, p.Asn844Tyr (NM_001406521.1, NM_001406522.1, NM_001406520.1 and 1 more transcripts); c.2674A>T, p.Asn892Tyr (NM_001406523.1, NM_001406525.1, NM_001406526.1 and 7 more transcripts); c.2497A>T, p.Asn833Tyr (NM_001406524.1); c.2434A>T, p.Asn812Tyr (NM_001406530.1); and 8 more; short protein forms N676Y, N776Y, N808Y, N844Y, N881Y, N781Y, N814Y, N892Y.
Identifiers: ClinVar variation 1933084 (VCV001933084.3), dbSNP rs1356458159, ClinGen allele CA388034395.